The following is an entry in ClinVar:

NM_005918.4(MDH2):c.853T>C (p.Cys285Arg)

Gene: MDH2 (malate dehydrogenase 2; plus strand). Cytogenetic location: 7q11.23.
Variant type: single nucleotide variant.
Coding change: c.853T>C on transcript NM_005918.4 (MANE Select); coding-DNA position 853, T replaced by C.
Protein change: p.Cys285Arg; replaces cysteine 285 with arginine.
Molecular consequence: missense variant.
Genome position (GRCh38, 1-based): chr7:76,064,921, T>C. VCF-style: chr7-76064921-T-C. GRCh37 (hg19) VCF-style: chr7-75694239-T-C.
Other names: c.727T>C, p.Cys243Arg (NM_001282403.2); c.532T>C, p.Cys178Arg (NM_001282404.2); short protein forms C285R, C178R, C243R.
Identifiers: ClinVar variation 1763789 (VCV001763789.2), dbSNP rs1798054926, ClinGen allele CA367768728.

ClinVar aggregate classification (germline): Uncertain significance (1 of 4 stars; one submission).

Conditions:
Inborn genetic diseases. Identifiers: MedGen C0950123, MeSH D030342.

Allele frequency attached by ClinVar (database versions not stated): gnomAD exomes below 0.00001.
gnomAD v4.1: 3 of 1,614,156 alleles (0.00019%); highest among the groups gnomAD compares: Non-Finnish European, 0.00025%; no homozygotes.

Submission:

Ambry Genetics
Classification: Uncertain significance for Inborn genetic diseases. Last evaluated: 2021-06-25. Review status: criteria provided, single submitter. Criteria: Ambry Variant Classification Scheme 2023. Collection method: clinical testing. Allele origin: germline.
Comment: The p.C285R variant (also known as c.853T>C), located in coding exon 8 of the MDH2 gene, results from a T to C substitution at nucleotide position 853. The cysteine at codon 285 is replaced by arginine, an amino acid with highly dissimilar properties. This amino acid position is conserved. In addition, the in silico prediction for this alteration is inconclusive. Since supporting evidence is limited at this time, the clinical significance of this alteration remains unclear.